The following is an entry in ClinVar:

ClinVar aggregate classification (germline): Likely benign (1 of 4 stars; one submission).

gnomAD v4.1: 1 of 1,437,036 alleles (0.00007%); highest among the groups gnomAD compares: Admixed American, 0.0028%; no homozygotes.

Submission:

CeGaT Center for Human Genetics Tuebingen
Classification: Likely benign. Last evaluated: 2026-06-01. Review status: criteria provided, single submitter. Criteria: CeGaT Center For Human Genetics Tuebingen Variant Classification Criteria Version 2. Collection method: clinical testing. Allele origin: germline. Affected: yes. Observed: 1 variant allele.
Comment: PUS1: BP4, BP7

NM_025215.6(PUS1):c.234C>T (p.Arg78=)

Gene: PUS1 (pseudouridine synthase 1; plus strand). Cytogenetic location: 12q24.33.
Variant type: single nucleotide variant.
Coding change: c.234C>T on transcript NM_025215.6 (MANE Select); coding-DNA position 234, C replaced by T.
Protein change: p.Arg78=; no amino-acid change (arginine 78 retained).
Molecular consequence: synonymous variant.
Genome position (GRCh38, 1-based): chr12:131,930,066, C>T. VCF-style: chr12-131930066-C-T. GRCh37 (hg19) VCF-style: chr12-132414611-C-T.
Other names: c.150C>T, p.Arg50= (NM_001002019.3, NM_001002020.3).
Identifiers: ClinVar variation 4873727 (VCV004873727.2).